The following is an entry in ClinVar:

ClinVar aggregate classification (germline): Uncertain significance. Review status: criteria provided, multiple submitters, no conflicts (2 of 4 stars). 2 submissions from 2 submitters: Uncertain significance (2). Last evaluated 2026-08-01.

Allele frequency attached by ClinVar (database versions not stated): ExAC 0.00002; gnomAD 0.00003; gnomAD exomes 0.00003 and 0.00006; TOPMed 0.00004; ESP Exome Variant Server 0.00008.

Submissions (2):

CeGaT Center for Human Genetics Tuebingen
Classification: Uncertain significance. Last evaluated: 2026-08-01. Review status: criteria provided, single submitter. Criteria: CeGaT Center For Human Genetics Tuebingen Variant Classification Criteria Version 2. Collection method: clinical testing. Allele origin: germline. Affected: yes. Observed: 1 variant allele.
Comment: SLC25A12: PM2, BP4

Labcorp Genetics (formerly Invitae), Labcorp
Classification: Uncertain significance. Last evaluated: 2024-01-22. Review status: criteria provided, single submitter. Criteria: Invitae Variant Classification Sherloc (09022015). Collection method: clinical testing. Allele origin: germline.
Comment: This sequence change replaces alanine, which is neutral and non-polar, with threonine, which is neutral and polar, at codon 615 of the SLC25A12 protein (p.Ala615Thr). This variant is present in population databases (rs369666236, gnomAD 0.006%). This missense change has been observed in individual(s) with clinical features of SLC25A12-related conditions (Invitae). In at least one individual the data is consistent with being in trans (on the opposite chromosome) from a pathogenic variant. ClinVar contains an entry for this variant (Variation ID: 646243). Advanced modeling of protein sequence and biophysical properties (such as structural, functional, and spatial information, amino acid conservation, physicochemical variation, residue mobility, and thermodynamic stability) performed at Invitae indicates that this missense variant is not expected to disrupt SLC25A12 protein function with a negative predictive value of 80%. In summary, the available evidence is currently insufficient to determine the role of this variant in disease. Therefore, it has been classified as a Variant of Uncertain Significance.

NM_003705.5(SLC25A12):c.1843G>A (p.Ala615Thr)

Gene: SLC25A12 (solute carrier family 25 member 12; minus strand). Cytogenetic location: 2q31.1.
Variant type: single nucleotide variant.
Coding change: c.1843G>A on transcript NM_003705.5 (MANE Select); coding-DNA position 1843, G replaced by A.
Protein change: p.Ala615Thr; replaces alanine 615 with threonine.
Molecular consequence: missense variant. On other transcripts: non-coding transcript variant (1).
Genome position (GRCh38, 1-based): chr2:171,785,468, C>T on the plus strand (G>A on the coding strand, the complement: SLC25A12 is on the minus strand). VCF-style: chr2-171785468-C-T. GRCh37 (hg19) VCF-style: chr2-172641978-C-T.
Other names: short protein forms A615T.
Identifiers: ClinVar variation 646243 (VCV000646243.9), dbSNP rs369666236, ClinGen allele CA1966011.
Genomic context (GRCh38, chr2:171,785,468, plus strand): 5'-GATCAGGGTTGGCAGGAGGAAGGTCTGCAATGCGTGACTTAGGTGTTGGTTCTGAACCAG[C>T]GGGTTTGCTGTTGACAGAAAAAAAGCCAATGGTTAGCATGCTCAAGGTGGATGAGCGCAG-3'
Protein context (NP_003696.2, residues 605-625): FYIDFGGLKP[Ala615Thr]GSEPTPKSRI